The following is an entry in ClinVar:

NM_017617.5(NOTCH1):c.5718G>A (p.Ala1906=)

Gene: NOTCH1 (notch receptor 1; minus strand). Cytogenetic location: 9q34.3.
Variant type: single nucleotide variant.
Coding change: c.5718G>A on transcript NM_017617.5 (MANE Select); coding-DNA position 5718, G replaced by A.
Protein change: p.Ala1906=; no amino-acid change (alanine 1906 retained).
Molecular consequence: synonymous variant.
Genome position (GRCh38, 1-based): chr9:136,500,768, C>T on the plus strand (G>A on the coding strand, the complement: NOTCH1 is on the minus strand). VCF-style: chr9-136500768-C-T. GRCh37 (hg19) VCF-style: chr9-139395220-C-T.
Other names: c.5718G>A, p.Ala1906= (LRG_1122t1); c.5718G>A (NM_017617.4).
Identifiers: ClinVar variation 389572 (VCV000389572.44), dbSNP rs369730620, ClinGen allele CA5340141.
Genomic context (GRCh38, chr9:136,500,768, plus strand): 5'-GCGGTCTGTCTGGTTGTGCAGGCTGGCGCCCTGGTAGATGAAGTCGGAGATGACGGCCGG[C>T]GCGTCCTCCTCTTCCTCGCTGTTGCCCGTCTCCAGGCCGCCCCCGCTGCAGGAGGCGATC-3'
Protein context (NP_060087.3, residues 1896-1916): ETGNSEEEED[Ala1906=]PAVISDFIYQ

ClinVar aggregate classification (germline): Benign/Likely benign. Review status: criteria provided, multiple submitters, no conflicts (2 of 4 stars). 10 submissions from 9 submitters: Benign (3); Likely benign (4). 3 of the submissions do not count toward it. Last evaluated 2025-11-05.

Conditions:
Familial thoracic aortic aneurysm and aortic dissection (TAAD). Also called: Thoracic aortic aneurysms and dissections. Identifiers: Orphanet 91387, MedGen C4707243, MONDO:0019625.
NOTCH1-related disorder. Also called: NOTCH1-related disorders; NOTCH1-related condition.
Adams-Oliver syndrome 5 (AOS5). Identifiers: Orphanet 974, MedGen C4014970, MONDO:0014459, OMIM 616028.
Aortic valve disease 1 (AOVD1). Identifiers: MedGen C3887892, MONDO:0024523, OMIM 109730.

Allele frequency attached by ClinVar (database versions not stated): gnomAD 0.00006; gnomAD exomes 0.00006; ExAC 0.00008; ESP Exome Variant Server 0.00008; TOPMed 0.00009.
gnomAD v4.1: 101 of 1,603,616 alleles (0.0063%); highest among the groups gnomAD compares: Middle Eastern, 0.033%; no homozygotes.

Submissions (10):

Labcorp Genetics (formerly Invitae), Labcorp
Classification: Likely benign for Adams-Oliver syndrome 5. Last evaluated: 2025-11-05. Review status: criteria provided, single submitter. Criteria: Invitae Variant Classification Sherloc (09022015). Collection method: clinical testing. Allele origin: germline.

Women's Health and Genetics/Laboratory Corporation of America, LabCorp
Classification: Benign. Last evaluated: 2024-04-29. Review status: criteria provided, single submitter. Criteria: LabCorp Variant Classification Summary - May 2015. Collection method: clinical testing. Allele origin: germline.

CeGaT Center for Human Genetics Tuebingen
Classification: Likely benign. Last evaluated: 2023-09-01. Review status: criteria provided, single submitter. Criteria: CeGaT Center For Human Genetics Tuebingen Variant Classification Criteria Version 2. Collection method: clinical testing. Allele origin: germline. Affected: yes. Observed: 1 variant allele.
Comment: NOTCH1: BP4, BP7

Genome-Nilou Lab
Classification: Benign for Adams-Oliver syndrome 5. Last evaluated: 2022-03-15. Review status: criteria provided, single submitter. Criteria: ACMG Guidelines, 2015. Collection method: clinical testing. Allele origin: germline. Affected: no.

Genome-Nilou Lab
Classification: Benign for Aortic valve disease 1. Last evaluated: 2022-03-15. Review status: criteria provided, single submitter. Criteria: ACMG Guidelines, 2015. Collection method: clinical testing. Allele origin: germline. Affected: no.

GeneDx
Classification: Likely benign. Last evaluated: 2020-12-10. Review status: criteria provided, single submitter. Criteria: GeneDx Variant Classification Process June 2021. Collection method: clinical testing. Allele origin: germline. Affected: yes.

Ambry Genetics
Classification: Likely benign for Familial thoracic aortic aneurysm and aortic dissection. Last evaluated: 2020-11-03. Review status: criteria provided, single submitter. Criteria: Ambry Variant Classification Scheme 2023. Collection method: clinical testing. Allele origin: germline.

PreventionGenetics, part of Exact Sciences
Classification: Likely benign for NOTCH1-related condition. Last evaluated: 2019-11-27. Review status: no assertion criteria provided. Collection method: clinical testing. Allele origin: germline. Not counted in ClinVar's aggregate classification.
Comment: This variant is classified as likely benign based on ACMG/AMP sequence variant interpretation guidelines (Richards et al. 2015 PMID: 25741868, with internal and published modifications).

Clinical Genetics DNA and cytogenetics Diagnostics Lab, Erasmus MC, Erasmus Medical Center
Classification: Likely benign. Review status: no assertion criteria provided. Collection method: clinical testing. Allele origin: germline. Affected: yes. Study: VKGL Data-share Consensus. Not counted in ClinVar's aggregate classification.

Joint Genome Diagnostic Labs from Nijmegen and Maastricht, Radboudumc and MUMC+
Classification: Likely benign. Review status: no assertion criteria provided. Collection method: clinical testing. Allele origin: germline. Affected: yes. Study: VKGL Data-share Consensus. Not counted in ClinVar's aggregate classification.